The following is an entry in ClinVar:

NM_015274.3(MAN2B2):c.1406-95A>G

Gene: MAN2B2 (mannosidase alpha class 2B member 2; plus strand). Cytogenetic location: 4p16.1.
Variant type: single nucleotide variant.
Coding change: c.1406-95A>G on transcript NM_015274.3 (MANE Select); 95 bases into the intron before coding-DNA position 1406, A replaced by G.
Molecular consequence: intron variant.
Genome position (GRCh38, 1-based): chr4:6,600,528, A>G. VCF-style: chr4-6600528-A-G. GRCh37 (hg19) VCF-style: chr4-6602255-A-G.
Other names: c.1253-95A>G (NM_001292038.2).
Identifiers: ClinVar variation 2688049 (VCV002688049.2), dbSNP rs2301789, ClinGen allele CA15301361.

ClinVar aggregate classification (germline): Benign (1 of 4 stars; one submission).

Allele frequency attached by ClinVar (database versions not stated): gnomAD exomes 0.47393; gnomAD 0.48764; TOPMed 0.49406; 1000 Genomes Project 30x 0.51889; 1000 Genomes Project 0.51937.
gnomAD v4.1: 687,318 of 1,446,114 alleles (48%); highest among the groups gnomAD compares: East Asian, 66%; 165,474 homozygotes.

Submission:

Unidad de Genómica Garrahan, Hospital de Pediatría Garrahan
Classification: Benign. Last evaluated: 2024-01-24. Review status: criteria provided, single submitter. Criteria: ACMG Guidelines, 2015. Collection method: clinical testing. Allele origin: germline. Affected: no. Observed: 60 variant alleles.
Comment: This variant is classified as Benign based on local population frequency. This variant was detected in 63% of patients studied by a panel of primary immunodeficiencies. Number of patients: 60. Only high quality variants are reported.